The following is an entry in ClinVar:

ClinVar aggregate classification (germline): Uncertain significance. Review status: criteria provided, single submitter (1 of 4 stars). 2 submissions from 2 submitters: Uncertain significance (1). 1 of the submissions does not count toward it. Last evaluated 2021-09-01.

Conditions:
MHC class II deficiency. Also called: Bare lymphocyte syndrome 2; BLS, TYPE II. Identifiers: Orphanet 572, MedGen C5447452, MONDO:0008855.

Allele frequency attached by ClinVar (database versions not stated): TOPMed 0.00002.
gnomAD v4.1: 5 of 1,614,040 alleles (0.00031%); highest among the groups gnomAD compares: African/African-American, 0.004%; no homozygotes.

Submissions (2):

Labcorp Genetics (formerly Invitae), Labcorp
Classification: Uncertain significance for MHC class II deficiency. Last evaluated: 2021-09-01. Review status: criteria provided, single submitter. Criteria: Invitae Variant Classification Sherloc (09022015). Collection method: clinical testing. Allele origin: germline.
Comment: This sequence change replaces threonine with asparagine at codon 165 of the CIITA protein (p.Thr165Asn). The threonine residue is weakly conserved and there is a small physicochemical difference between threonine and asparagine. This variant is present in population databases (rs34648899, ExAC 0.01%). This variant has not been reported in the literature in individuals affected with CIITA-related conditions. Algorithms developed to predict the effect of missense changes on protein structure and function (SIFT, PolyPhen-2, Align-GVGD) all suggest that this variant is likely to be tolerated. In summary, the available evidence is currently insufficient to determine the role of this variant in disease. Therefore, it has been classified as a Variant of Uncertain Significance.

Natera, Inc.
Classification: Uncertain significance for Bare lymphocyte syndrome type II. Last evaluated: 2020-09-11. Review status: no assertion criteria provided. Collection method: clinical testing. Allele origin: germline. Not counted in ClinVar's aggregate classification.

NM_000246.4(CIITA):c.494C>A (p.Thr165Asn)

Gene: CIITA (class II major histocompatibility complex transactivator; plus strand). Cytogenetic location: 16p13.13.
Variant type: single nucleotide variant.
Coding change: c.494C>A on transcript NM_000246.4 (MANE Select); coding-DNA position 494, C replaced by A.
Protein change: p.Thr165Asn; replaces threonine 165 with asparagine.
Molecular consequence: missense variant. On other transcripts: non-coding transcript variant (1), intron variant (3).
Genome position (GRCh38, 1-based): chr16:10,902,050, C>A. VCF-style: chr16-10902050-C-A. GRCh37 (hg19) VCF-style: chr16-10995907-C-A.
Other names: c.497C>A, p.Thr166Asn (NM_001286402.1, NM_001379332.1); c.494C>A, p.Thr165Asn (NM_001379333.1); c.425C>A, p.Thr142Asn (NM_001379334.1); c.484+492C>A (NM_001379330.1); c.481+492C>A (NM_001379331.1, NM_001286403.2); short protein forms T142N, T165N, T166N.
Identifiers: ClinVar variation 1011439 (VCV001011439.10), dbSNP rs34648899, ClinGen allele CA7899788.